The following is an entry in ClinVar:

ClinVar aggregate classification (germline): Uncertain significance (1 of 4 stars; one submission).

Conditions:
Granulomatous disease, chronic, autosomal recessive, cytochrome b-positive, type 3. Also called: Granulomatous disease, chronic, autosomal recessive, cytochrome b-positive, type III; GRANULOMATOUS DISEASE, CHRONIC, AUTOSOMAL RECESSIVE, 3; CGD, AUTOSOMAL RECESSIVE CYTOCHROME b-POSITIVE, TYPE III; GRANULOMATOUS DISEASE, CHRONIC, DUE TO NCF4 DEFICIENCY. Identifiers: Orphanet 379, MedGen C3151409, MONDO:0013507, OMIM 613960.

Allele frequency attached by ClinVar (database versions not stated): ExAC 0.00001; gnomAD 0.00001; TOPMed 0.00001.

Submission:

Labcorp Genetics (formerly Invitae), Labcorp
Classification: Uncertain significance for Granulomatous disease, chronic, autosomal recessive, cytochrome b-positive, type 3. Last evaluated: 2022-09-27. Review status: criteria provided, single submitter. Criteria: Invitae Variant Classification Sherloc (09022015). Collection method: clinical testing. Allele origin: germline.
Comment: In summary, the available evidence is currently insufficient to determine the role of this variant in disease. Therefore, it has been classified as a Variant of Uncertain Significance. Algorithms developed to predict the effect of missense changes on protein structure and function are either unavailable or do not agree on the potential impact of this missense change (SIFT: "Deleterious"; PolyPhen-2: "Possibly Damaging"; Align-GVGD: "Class C0"). ClinVar contains an entry for this variant (Variation ID: 1499021). This variant has not been reported in the literature in individuals affected with NCF4-related conditions. This variant is present in population databases (rs548576102, gnomAD 0.006%). This sequence change replaces threonine, which is neutral and polar, with isoleucine, which is neutral and non-polar, at codon 248 of the NCF4 protein (p.Thr248Ile).

NM_000631.5(NCF4):c.743C>T (p.Thr248Ile)

Gene: NCF4 (neutrophil cytosolic factor 4; plus strand). Cytogenetic location: 22q12.3.
Variant type: single nucleotide variant.
Coding change: c.743C>T on transcript NM_000631.5 (MANE Select); coding-DNA position 743, C replaced by T.
Protein change: p.Thr248Ile; replaces threonine 248 with isoleucine.
Molecular consequence: missense variant.
Genome position (GRCh38, 1-based): chr22:36,875,768, C>T. VCF-style: chr22-36875768-C-T. GRCh37 (hg19) VCF-style: chr22-37271810-C-T.
Other names: c.743C>T, p.Thr248Ile (NM_013416.4); short protein forms T248I.
Identifiers: ClinVar variation 1499021 (VCV001499021.6), dbSNP rs548576102, ClinGen allele CA10213152.
Genomic context (GRCh38, chr22:36,875,768, plus strand): 5'-AAGACTTCCCTGAGGAGGACGACCCCACCAACTGGCTGCGTTGCTACTACTACGAAGACA[C>T]CATCAGCACCATCAAGTCTGTGGCCTGGGAGGGAGGGGCCTGTCCAGCCTTCCTGCCATC-3'
Protein context (NP_000622.2, residues 238-258): NWLRCYYYED[Thr248Ile]ISTIKDIAVE